The following is an entry in ClinVar:

NM_003587.5(DHX16):c.1468C>T (p.Arg490Ter)

Gene: DHX16 (DEAH-box helicase 16; minus strand). Cytogenetic location: 6p21.33.
Variant type: single nucleotide variant.
Coding change: c.1468C>T on transcript NM_003587.5 (MANE Select); coding-DNA position 1468, C replaced by T.
Protein change: p.Arg490Ter; replaces arginine 490 with a stop codon.
Molecular consequence: nonsense. On other transcripts: 5 prime UTR variant (1).
Genome position (GRCh38, 1-based): chr6:30,662,703, G>A on the plus strand (C>T on the coding strand, the complement: DHX16 is on the minus strand). VCF-style: chr6-30662703-G-A. GRCh37 (hg19) VCF-style: chr6-30630480-G-A.
Other names: c.1288C>T, p.Arg430Ter (NM_001164239.2); c.-652C>T (NM_001363515.2); short protein forms R430*, R490*.
Identifiers: ClinVar variation 4078478 (VCV004078478.2).

ClinVar aggregate classification (germline): Uncertain significance. Review status: criteria provided, single submitter (1 of 4 stars). 2 submissions from 2 submitters: Uncertain significance (1). 1 of the submissions does not count toward it. Last evaluated 2024-11-21.

Conditions:
Neuromuscular disease and ocular or auditory anomalies with or without seizures. Also called: NEUROMUSCULAR OCULOAUDITORY SYNDROME. Identifiers: MedGen C5231483, MONDO:0032890, OMIM 618733.

gnomAD v4.1: 6 of 1,613,082 alleles (0.00037%); highest among the groups gnomAD compares: South Asian, 0.0022%; no homozygotes.

Submissions (2):

Revvity Omics, Revvity
Classification: Uncertain significance for Neuromuscular disease and ocular or auditory anomalies with or without seizures. Last evaluated: 2024-11-21. Review status: criteria provided, single submitter. Criteria: ACMG Guidelines, 2015. Collection method: clinical testing. Allele origin: germline.

Hong-Tao Li Lab, Institute of Brain Science and Brain-inspired Research, Shandong First Medical University & Shandong Academy of Medical Sciences China
Classification: Uncertain significance for Neuromuscular disease and ocular or auditory anomalies with or without seizures. Review status: no assertion criteria provided. Collection method: research. Allele origin: germline. Inheritance: Autosomal dominant inheritance. Affected: yes. Observed: 1 variant allele, 1 heterozygote. Not counted in ClinVar's aggregate classification.
Comment: Observed in affected individuals from a Pakistani neurodevelopmental-disorder research cohort of 263 individuals. Classification assigned using the ACMG/AMP framework. Population-frequency evidence: gnomAD AF 4.056e-06.